The following is an entry in ClinVar:

NM_000178.4(GSS):c.1295_1296del (p.Tyr432fs)

Gene: GSS (glutathione synthetase; minus strand). Cytogenetic location: 20q11.22.
Variant type: Deletion.
Coding change: c.1295_1296del on transcript NM_000178.4 (MANE Select); coding-DNA positions 1295 to 1296, 2 bases deleted (AT; older notation c.1295_1296delAT).
Protein change: p.Tyr432fs; shifts the reading frame from tyrosine 432.
Molecular consequence: frameshift variant.
Genome position (GRCh38, 1-based): chr20:34,929,406-34,929,407, AT deleted on the plus strand (AT on the coding strand, the reverse complement: GSS is on the minus strand); deleting any 2 consecutive bases within chr20:34,929,406-34,929,408 gives the same sequence; the c. name uses the placement nearest the transcript's 3' end. VCF-style (leftmost placement, unchanged base first): chr20-34929405-CAT-C. GRCh37 (hg19) VCF-style: chr20-33517208-CAT-C.
Other names: c.1295_1296delAT (NM_000178.2); c.1295_1296del, p.Tyr432fs (NM_001322494.1, NM_001322495.1); short protein forms Y432fs.
Identifiers: ClinVar variation 1493565 (VCV001493565.7), dbSNP rs777065530, ClinGen allele CA9825829.
Genomic context (GRCh38, chr20:34,929,405, plus strand): 5'-CTTGGCTGGCACTCTTGCAAGCAGGTAGTGGAAAGAGCTTCTCCTGATTGGCTCACCTGA[CAT>C]AGACCCCAAAGATGCCCAGCTCTGAAATGCACTGGACCACTCGGGCAGGGCTGCCAGGCC-3'

ClinVar aggregate classification (germline): Uncertain significance. Review status: criteria provided, multiple submitters, no conflicts (2 of 4 stars). 4 submissions from 4 submitters: Uncertain significance (4). Last evaluated 2023-08-15.

Conditions:
Inborn genetic diseases. Identifiers: MedGen C0950123, MeSH D030342.
Glutathione synthetase deficiency without 5-oxoprolinuria. Also called: ANEMIA, CONGENITAL, NONSPHEROCYTIC HEMOLYTIC, 6. Identifiers: Orphanet 289849, Orphanet 32, MedGen C1856399, MONDO:0009284, OMIM 231900.
Glutathione synthetase deficiency with 5-oxoprolinuria. Also called: Reduced glutathione synthetase level; 5-OXOPROLINURIA DUE TO GLUTATHIONE SYNTHETASE DEFICIENCY; PYROGLUTAMIC ACIDURIA; 5-Oxoprolinuria; Gluthathione synthetase deficiency. Identifiers: Orphanet 289846, MedGen C0398746, MONDO:0009947, OMIM 266130, HP:0003343.
Inherited glutathione synthetase deficiency. Identifiers: Orphanet 32, MedGen C5979912, MONDO:0017909.

Submissions (4):

Revvity Omics, Revvity
Classification: Uncertain significance. Last evaluated: 2023-08-15. Review status: criteria provided, single submitter. Criteria: ACMG Guidelines, 2015. Collection method: clinical testing. Allele origin: germline.

Department of Pathology and Laboratory Medicine, Sinai Health System
Classification: Uncertain significance for Glutathione synthetase deficiency without 5-oxoprolinuria; Glutathione synthetase deficiency with 5-oxoprolinuria. Last evaluated: 2022-09-23. Review status: criteria provided, single submitter. Criteria: ACMG Guidelines, 2015. Collection method: research. Allele origin: germline.

Labcorp Genetics (formerly Invitae), Labcorp
Classification: Uncertain significance for Glutathione synthetase deficiency with 5-oxoprolinuria. Last evaluated: 2022-03-29. Review status: criteria provided, single submitter. Criteria: Invitae Variant Classification Sherloc (09022015). Collection method: clinical testing. Allele origin: germline.
Comment: This sequence change results in a frameshift in the GSS gene (p.Tyr432Cysfs*62). While this is not anticipated to result in nonsense mediated decay, it is expected to disrupt the last 43 amino acid(s) of the GSS protein and extend the protein by 18 additional amino acid residues. This variant is present in population databases (rs777065530, gnomAD 0.02%). This variant has not been reported in the literature in individuals affected with GSS-related conditions. In summary, the available evidence is currently insufficient to determine the role of this variant in disease. Therefore, it has been classified as a Variant of Uncertain Significance.

Ambry Genetics
Classification: Uncertain significance for Inborn genetic diseases. Last evaluated: 2021-09-19. Review status: criteria provided, single submitter. Criteria: Ambry Variant Classification Scheme 2023. Collection method: clinical testing. Allele origin: germline.
Comment: Not expected to trigger nonsense-mediated mRNA decay Based on insufficient or conflicting evidence, the clinical significance of this alteration remains unclear.